The following is an entry in ClinVar:

NM_018979.4(WNK1):c.1197T>C (p.Tyr399=)

Gene: WNK1 (WNK lysine deficient protein kinase 1; plus strand). Cytogenetic location: 12p13.33.
Variant type: single nucleotide variant.
Coding change: c.1197T>C on transcript NM_018979.4 (MANE Select); coding-DNA position 1197, T replaced by C.
Protein change: p.Tyr399=; no amino-acid change (tyrosine 399 retained).
Molecular consequence: synonymous variant.
Genome position (GRCh38, 1-based): chr12:830,046, T>C. VCF-style: chr12-830046-T-C. GRCh37 (hg19) VCF-style: chr12-939212-T-C.
Other names: c.1197T>C, p.Tyr399= (NM_001184985.2, NM_014823.3, NM_213655.5).
Identifiers: ClinVar variation 4978060 (VCV004978060.1).

ClinVar aggregate classification (germline): Likely benign (1 of 4 stars; one submission).

Conditions:
WNK1-related disorder. Also called: WNK1-related condition.

gnomAD v4.1: 9 of 1,613,988 alleles (0.00056%); highest among the groups gnomAD compares: East Asian, 0.0067%; no homozygotes.

Submission:

PreventionGenetics, part of Exact Sciences
Classification: Likely benign for WNK1-related condition. Last evaluated: 2025-03-05. Review status: criteria provided, single submitter. Criteria: ACMG Guidelines, 2015. Collection method: clinical testing. Allele origin: germline.
Comment: This variant is classified as likely benign based on ACMG/AMP sequence variant interpretation guidelines (Richards et al. 2015 PMID: 25741868, with internal and published modifications).